The following is an entry in ClinVar:

ClinVar aggregate classification (germline): Uncertain significance (1 of 4 stars; one submission).

Conditions:
Hereditary cancer-predisposing syndrome. Also called: Neoplastic Syndromes, Hereditary; Tumor predisposition; Hereditary Cancer Syndrome; Hereditary neoplastic syndrome. Identifiers: Orphanet 140162, MedGen C0027672, MeSH D009386, MONDO:0015356.

Submission:

Ambry Genetics
Classification: Uncertain significance for Hereditary cancer-predisposing syndrome. Last evaluated: 2025-12-22. Review status: criteria provided, single submitter. Criteria: Ambry Variant Classification Scheme 2023. Collection method: clinical testing. Allele origin: germline.
Comment: The p.E209Q variant (also known as c.625G>C), located in coding exon 3 of the TMEM127 gene, results from a G to C substitution at nucleotide position 625. The glutamic acid at codon 209 is replaced by glutamine, an amino acid with highly similar properties. This amino acid position is conserved. In addition, the in silico prediction for this alteration is inconclusive. Based on the available evidence, the clinical significance of this variant remains unclear.

NM_017849.4(TMEM127):c.625G>C (p.Glu209Gln)

Gene: TMEM127 (transmembrane protein 127; minus strand). Cytogenetic location: 2q11.2.
Variant type: single nucleotide variant.
Coding change: c.625G>C on transcript NM_017849.4 (MANE Select); coding-DNA position 625, G replaced by C.
Protein change: p.Glu209Gln; replaces glutamic acid 209 with glutamine.
Molecular consequence: missense variant.
Genome position (GRCh38, 1-based): chr2:96,253,900, C>G on the plus strand (G>C on the coding strand, the complement: TMEM127 is on the minus strand). VCF-style: chr2-96253900-C-G. GRCh37 (hg19) VCF-style: chr2-96919638-C-G.
Other names: c.625G>C, p.Glu209Gln (NM_001193304.3); c.373G>C, p.Glu125Gln (NM_001407282.1, NM_001407283.1); short protein forms E125Q, E209Q.
Identifiers: ClinVar variation 4841662 (VCV004841662.1).
Genomic context (GRCh38, chr2:96,253,900, plus strand): 5'-GGTTGATGACCTCATATTCCGCCGGGTAGGGCTCGTTCTCTTCCATCTCTGAGAGCAGCT[C>G]CAGCGCCTGCTCCTCTTCCTCTGTGGGGTAGTGGCGCAGGAGGTTGGCTGCCGTGGCCAG-3'
Protein context (NP_060319.1, residues 199-219): YPTEEEEQAL[Glu209Gln]LLSEMEENEP